The following is an entry in ClinVar:

ClinVar aggregate classification (germline): Uncertain significance (1 of 4 stars; one submission).

Submission:

GeneDx
Classification: Uncertain significance. Last evaluated: 2025-01-26. Review status: criteria provided, single submitter. Criteria: GeneDx Variant Classification Process June 2021. Collection method: clinical testing. Allele origin: germline. Affected: yes.
Comment: Not observed at significant frequency in large population cohorts (gnomAD); In silico analysis supports that this missense variant has a deleterious effect on protein structure/function; Has not been previously published as pathogenic or benign to our knowledge

NM_213599.3(ANO5):c.373G>C (p.Asp125His)

Gene: ANO5 (anoctamin 5; plus strand). Cytogenetic location: 11p14.3.
Variant type: single nucleotide variant.
Coding change: c.373G>C on transcript NM_213599.3 (MANE Select); coding-DNA position 373, G replaced by C.
Protein change: p.Asp125His; replaces aspartic acid 125 with histidine.
Molecular consequence: missense variant.
Genome position (GRCh38, 1-based): chr11:22,227,311, G>C. VCF-style: chr11-22227311-G-C. GRCh37 (hg19) VCF-style: chr11-22248857-G-C.
Other names: c.370G>C, p.Asp124His (NM_001142649.2); short protein forms D124H, D125H.
Identifiers: ClinVar variation 1310333 (VCV001310333.3), dbSNP rs1277829538, ClinGen allele CA379919262.